The following is an entry in ClinVar:

ClinVar aggregate classification (germline): Uncertain significance (1 of 4 stars; one submission).

Conditions:
Spastic ataxia 2. Also called: Ataxia, spastic, 2, autosomal recessive. Identifiers: Orphanet 397946, MedGen C1969796, MONDO:0012651, OMIM 611302.

Allele frequency attached by ClinVar (database versions not stated): TOPMed below 0.00001.

Submission:

Labcorp Genetics (formerly Invitae), Labcorp
Classification: Uncertain significance for Spastic ataxia 2. Last evaluated: 2022-08-22. Review status: criteria provided, single submitter. Criteria: Invitae Variant Classification Sherloc (09022015). Collection method: clinical testing. Allele origin: germline.
Comment: This variant has not been reported in the literature in individuals affected with KIF1C-related conditions. This variant is not present in population databases (gnomAD no frequency). This sequence change replaces proline, which is neutral and non-polar, with serine, which is neutral and polar, at codon 1085 of the KIF1C protein (p.Pro1085Ser). Algorithms developed to predict the effect of missense changes on protein structure and function are either unavailable or do not agree on the potential impact of this missense change (SIFT: "Deleterious"; PolyPhen-2: "Possibly Damaging"; Align-GVGD: "Class C0"). In summary, the available evidence is currently insufficient to determine the role of this variant in disease. Therefore, it has been classified as a Variant of Uncertain Significance.

NM_006612.6(KIF1C):c.3253C>T (p.Pro1085Ser)

Gene: KIF1C (kinesin family member 1C; plus strand). Cytogenetic location: 17p13.2.
Variant type: single nucleotide variant.
Coding change: c.3253C>T on transcript NM_006612.6 (MANE Select); coding-DNA position 3253, C replaced by T.
Protein change: p.Pro1085Ser; replaces proline 1085 with serine.
Molecular consequence: missense variant.
Genome position (GRCh38, 1-based): chr17:5,024,092, C>T. VCF-style: chr17-5024092-C-T. GRCh37 (hg19) VCF-style: chr17-4927387-C-T.
Other names: short protein forms P1085S.
Identifiers: ClinVar variation 1925105 (VCV001925105.5), dbSNP rs1975156625, ClinGen allele CA397321431.